The following is an entry in ClinVar:

NM_015346.4(ZFYVE26):c.5984dup (p.Ser1996fs)

Gene: ZFYVE26 (zinc finger FYVE-type containing 26; minus strand). Cytogenetic location: 14q24.1.
Variant type: Duplication.
Coding change: c.5984dup on transcript NM_015346.4 (MANE Select); coding-DNA position 5984, one base duplicated (A; older notation c.5984dupA).
Protein change: p.Ser1996fs; shifts the reading frame from serine 1996.
Molecular consequence: frameshift variant.
Genome position (GRCh38, 1-based): chr14:67,766,254, T duplicated on the plus strand (A on the coding strand, the reverse complement: ZFYVE26 is on the minus strand). VCF-style (leftmost placement, unchanged base first): chr14-67766253-C-CT. GRCh37 (hg19) VCF-style: chr14-68232970-C-CT.
Other names: short protein forms S1996fs.
Identifiers: ClinVar variation 5012073 (VCV005012073.1).

ClinVar aggregate classification (germline): Pathogenic (1 of 4 stars; one submission).

Conditions:
Hereditary spastic paraplegia 15 (SPG15). Also called: SPASTIC PARAPLEGIA 15, AUTOSOMAL RECESSIVE; KJELLIN SYNDROME; SPASTIC PARAPLEGIA AND RETINAL DEGENERATION. Identifiers: Orphanet 100996, MedGen C1849128, MONDO:0010044, OMIM 270700.

Submission:

Myriad Genetics, Inc.
Classification: Pathogenic for Hereditary spastic paraplegia 15. Last evaluated: 2023-09-27. Review status: criteria provided, single submitter. Criteria: Myriad Autosomal Dominant, Autosomal Recessive and X-Linked Classification Criteria (2023). Collection method: clinical testing. Allele origin: unknown.
Comment: NM_015346.3(ZFYVE26):c.5984dupA(S1996Efs*8) is expected to be pathogenic in the context of spastic paraplegia type 15. This variant is predicted to lead to an abnormal or absent protein product due to the creation of a premature termination codon in ZFYVE26, a gene where loss-of-function variants are known to be pathogenic. Please note: this variant was assessed in the context of healthy population screening.